The following is an entry in ClinVar:

ClinVar aggregate classification (germline): Uncertain significance (1 of 4 stars; one submission).

Submission:

GeneDx
Classification: Uncertain significance. Last evaluated: 2022-07-25. Review status: criteria provided, single submitter. Criteria: GeneDx Variant Classification Process June 2021. Collection method: clinical testing. Allele origin: germline. Affected: yes.
Comment: Not observed at significant frequency in large population cohorts (gnomAD); In silico analysis supports that this missense variant has a deleterious effect on protein structure/function; Has not been previously published as pathogenic or benign to our knowledge

NM_052867.4(NALCN):c.3551T>G (p.Ile1184Ser)

Gene: NALCN (sodium leak channel, non-selective; minus strand). Cytogenetic location: 13q32.3.
Variant type: single nucleotide variant.
Coding change: c.3551T>G on transcript NM_052867.4 (MANE Select); coding-DNA position 3551, T replaced by G.
Protein change: p.Ile1184Ser; replaces isoleucine 1184 with serine.
Molecular consequence: missense variant.
Genome position (GRCh38, 1-based): chr13:101,083,743, A>C on the plus strand (T>G on the coding strand, the complement: NALCN is on the minus strand). VCF-style: chr13-101083743-A-C. GRCh37 (hg19) VCF-style: chr13-101736094-A-C.
Other names: c.3638T>G, p.Ile1213Ser (NM_001350748.2); c.3551T>G, p.Ile1184Ser (NM_001350749.2); c.3464T>G, p.Ile1155Ser (NM_001350750.2, NM_001350751.2); short protein forms I1155S, I1184S, I1213S.
Identifiers: ClinVar variation 2412945 (VCV002412945.3), dbSNP rs2501997391, ClinGen allele CA388651803.
Genomic context (GRCh38, chr13:101,083,743, plus strand): 5'-ATGAATAAAATCAGAGCATTTTGGGTACCCGGGCGAGGCGGAAGATGAAGAGGCTGTGCG[A>C]TCTTCAGTCGGCTCTTCAGGTCTTCCCATCTTCTCTGATCGACGGTCAGCAAAGCCGTCC-3'
Protein context (NP_443099.1, residues 1174-1194): RWEDLKSRLK[Ile1184Ser]AQPLHLPPRP